The following is an entry in ClinVar:

NM_004972.4(JAK2):c.2279A>C (p.Gln760Pro)

Genes: INSL6 (insulin like 6; minus strand), JAK2 (Janus kinase 2; plus strand). Cytogenetic location: 9p24.1.
Variant type: single nucleotide variant.
Coding change: c.2279A>C on transcript NM_004972.4 (MANE Select); coding-DNA position 2279, A replaced by C.
Protein change: p.Gln760Pro; replaces glutamine 760 with proline.
Molecular consequence: missense variant. On other transcripts: non-coding transcript variant (2).
Genome position (GRCh38, 1-based): chr9:5,080,376, A>C. VCF-style: chr9-5080376-A-C. GRCh37 (hg19) VCF-style: chr9-5080376-A-C.
Other names: c.2279A>C, p.Gln760Pro (NM_001322194.2, NM_001322195.2, NM_001322196.2); c.1064A>C, p.Gln355Pro (NM_001322198.2, NM_001322199.2); c.1832A>C, p.Gln611Pro (NM_001322204.2); short protein forms Q355P, Q611P, Q760P.
Identifiers: ClinVar variation 2659044 (VCV002659044.25), dbSNP rs2489076359, ClinGen allele CA372828054.

ClinVar aggregate classification (germline): Uncertain significance. Review status: criteria provided, multiple submitters, no conflicts (2 of 4 stars). 2 submissions from 2 submitters: Uncertain significance (2). Last evaluated 2026-02-22.

Conditions:
Thrombocythemia 3 (THCYT3). Also called: THROMBOCYTOSIS 3; THROMBOCYTHEMIA 3, SOMATIC. Identifiers: MedGen C3281125, MONDO:0013794, OMIM 614521.

Submissions (2):

Clinical Genomics Laboratory, Washington University in St. Louis
Classification: Uncertain significance for Thrombocythemia 3. Last evaluated: 2026-02-22. Review status: criteria provided, single submitter. Criteria: ACMG Guidelines, 2015. Collection method: clinical testing. Allele origin: germline.
Comment: The JAK2 c.2279A>C (p.Gln760Pro) variant, to our knowledge, has not been reported in the medical literature and is absent from the general population (gnomAD v2.1.1), indicating it is not a common variant. This variant resides within the pseudokinase domain, amino acids 545-809, of JAK2 that is defined as a critical functional domain (Marty C et al., PMID: 24398328). Computational predictors are uncertain as to the impact of this variant on JAK2 function. Due to limited information, and based on ACMG/AMP guidelines for variant interpretation (Richards S et al., PMID: 25741868), the clinical significance of this variant is uncertain at this time.

CeGaT Center for Human Genetics Tuebingen
Classification: Uncertain significance. Last evaluated: 2022-06-01. Review status: criteria provided, single submitter. Criteria: CeGaT Center For Human Genetics Tuebingen Variant Classification Criteria Version 2. Collection method: clinical testing. Allele origin: germline. Affected: yes. Observed: 1 variant allele.
Comment: JAK2: PM2, BP4